The following is an entry in ClinVar:

ClinVar aggregate classification (germline): Uncertain significance. Review status: criteria provided, multiple submitters, no conflicts (2 of 4 stars). 2 submissions from 2 submitters: Uncertain significance (2). Last evaluated 2025-05-24.

Conditions:
Arrhythmogenic right ventricular dysplasia 13. Also called: ARRHYTHMOGENIC RIGHT VENTRICULAR CARDIOMYOPATHY 13; Arrhythmogenic right ventricular dysplasia, familial, 13. Identifiers: MedGen C3810138, MONDO:0000908, OMIM 615616.

gnomAD v4.1: 1 of 1,614,118 alleles (0.000062%); highest among the groups gnomAD compares: Non-Finnish European, 0.000085%; no homozygotes.

Submissions (2):

Ambry Genetics
Classification: Uncertain significance. Last evaluated: 2025-05-24. Review status: criteria provided, single submitter. Criteria: Ambry Variant Classification Scheme 2023. Collection method: clinical testing. Allele origin: germline.
Comment: The p.C225Y variant (also known as c.674G>A), located in coding exon 5 of the CTNNA3 gene, results from a G to A substitution at nucleotide position 674. The cysteine at codon 225 is replaced by tyrosine, an amino acid with highly dissimilar properties. This amino acid position is conserved. In addition, this alteration is predicted to be tolerated by in silico analysis. Based on the available evidence, the clinical significance of this variant remains unclear.

Labcorp Genetics (formerly Invitae), Labcorp
Classification: Uncertain significance for Arrhythmogenic right ventricular dysplasia 13. Last evaluated: 2024-12-30. Review status: criteria provided, single submitter. Criteria: Invitae Variant Classification Sherloc (09022015). Collection method: clinical testing. Allele origin: germline.
Comment: This sequence change replaces cysteine, which is neutral and slightly polar, with tyrosine, which is neutral and polar, at codon 225 of the CTNNA3 protein (p.Cys225Tyr). This variant is not present in population databases (gnomAD no frequency). This variant has not been reported in the literature in individuals affected with CTNNA3-related conditions. ClinVar contains an entry for this variant (Variation ID: 1015514). Invitae Evidence Modeling of protein sequence and biophysical properties (such as structural, functional, and spatial information, amino acid conservation, physicochemical variation, residue mobility, and thermodynamic stability) indicates that this missense variant is not expected to disrupt CTNNA3 protein function with a negative predictive value of 80%. In summary, the available evidence is currently insufficient to determine the role of this variant in disease. Therefore, it has been classified as a Variant of Uncertain Significance.

NM_013266.4(CTNNA3):c.674G>A (p.Cys225Tyr)

Gene: CTNNA3 (catenin alpha 3; minus strand). Cytogenetic location: 10q21.3.
Variant type: single nucleotide variant.
Coding change: c.674G>A on transcript NM_013266.4 (MANE Select); coding-DNA position 674, G replaced by A.
Protein change: p.Cys225Tyr; replaces cysteine 225 with tyrosine.
Molecular consequence: missense variant.
Genome position (GRCh38, 1-based): chr10:67,219,776, C>T on the plus strand (G>A on the coding strand, the complement: CTNNA3 is on the minus strand). VCF-style: chr10-67219776-C-T. GRCh37 (hg19) VCF-style: chr10-68979534-C-T.
Other names: c.674G>A, p.Cys225Tyr (NM_001127384.3); c.710G>A, p.Cys237Tyr (NM_001291133.2); c.674G>A (NM_013266.2); short protein forms C225Y, C237Y.
Identifiers: ClinVar variation 1015514 (VCV001015514.9), dbSNP rs747835139, ClinGen allele CA377095837.
Genomic context (GRCh38, chr10:67,219,776, plus strand): 5'-ATTTCTTCACAAACTGTGTCCTTGCTTGCTTTGAGGGAAGCAACATCAGAATGCTCCAAA[C>T]AAGCTGAACAAATTGAATGCAAGAGGGGAGAGTTCTCCTTCAGTGAAGCTCGGGCTCCTG-3'
Protein context (NP_037398.2, residues 215-235): SPLLHSICSA[Cys225Tyr]LEHSDVASLK